The following is an entry in ClinVar:

ClinVar aggregate classification (germline): Uncertain significance (1 of 4 stars; one submission).

gnomAD v4.1: 16 of 1,613,800 alleles (0.00099%); highest among the groups gnomAD compares: East Asian, 0.025%; no homozygotes.

Submission:

Ambry Genetics
Classification: Uncertain significance. Last evaluated: 2025-10-07. Review status: criteria provided, single submitter. Criteria: Ambry Variant Classification Scheme 2023. Collection method: clinical testing. Allele origin: germline.
Comment: The c.5594C>T (p.T1865I) alteration is located in exon 22 (coding exon 22) of the EVPL gene. This alteration results from a C to T substitution at nucleotide position 5594, causing the threonine (T) at amino acid position 1865 to be replaced by an isoleucine (I). Based on data from gnomAD, the T allele has an overall frequency of 0.002% (6/251140) total alleles studied. The highest observed frequency was 0.016% (3/18394) of East Asian alleles. Based on insufficient or conflicting evidence, the clinical significance of this alteration remains unclear.

NM_001988.4(EVPL):c.5594C>T (p.Thr1865Ile)

Gene: EVPL (envoplakin; minus strand). Cytogenetic location: 17q25.1.
Variant type: single nucleotide variant.
Coding change: c.5594C>T on transcript NM_001988.4 (MANE Select); coding-DNA position 5594, C replaced by T.
Protein change: p.Thr1865Ile; replaces threonine 1865 with isoleucine.
Molecular consequence: missense variant.
Genome position (GRCh38, 1-based): chr17:76,007,611, G>A on the plus strand (C>T on the coding strand, the complement: EVPL is on the minus strand). VCF-style: chr17-76007611-G-A. GRCh37 (hg19) VCF-style: chr17-74003692-G-A.
Other names: c.5660C>T, p.Thr1887Ile (NM_001320747.2); short protein forms T1865I, T1887I.
Identifiers: ClinVar variation 4665636 (VCV004665636.1).
Genomic context (GRCh38, chr17:76,007,611, plus strand): 5'-CTCTCCATCGCCTTGTGCACAGAGTAGCGCTCACGGCTGAGCAGGTCCACGATGCCCCCT[G>A]TGGCCGCCTGGGCCTCCAGTAGCTTCTGCCCAGTGATGGGGTCCAGCATGTTCTTGGCCA-3'
Protein context (NP_001979.2, residues 1855-1875): GQKLLEAQAA[Thr1865Ile]GGIVDLLSRE